The following is an entry in ClinVar:

NM_001114753.3(ENG):c.1300T>A (p.Ser434Thr)

Genes: ENG (endoglin; minus strand), LOC102723566 (uncharacterized LOC102723566; plus strand). Cytogenetic location: 9q34.11.
Variant type: single nucleotide variant.
Coding change: c.1300T>A on transcript NM_001114753.3 (MANE Select); coding-DNA position 1300, T replaced by A.
Protein change: p.Ser434Thr; replaces serine 434 with threonine.
Molecular consequence: missense variant.
Genome position (GRCh38, 1-based): chr9:127,819,633, A>T on the plus strand (T>A on the coding strand, the complement: ENG is on the minus strand). VCF-style: chr9-127819633-A-T. GRCh37 (hg19) VCF-style: chr9-130581912-A-T.
Other names: c.1300T>A, p.Ser434Thr (NM_000118.4); c.754T>A, p.Ser252Thr (NM_001278138.2); short protein forms S434T, S252T.
Identifiers: ClinVar variation 2064062 (VCV002064062.4), dbSNP rs1830424604, ClinGen allele CA374978012.
Genomic context (GRCh38, chr9:127,819,633, plus strand): 5'-AGCAGCAGCCCCTGGGCCAGGTGGGTTAGCACGTGACTGTCCATCTCACCCGCTGTGGTG[A>T]TGAGCTCGACAGGATATTGACCACCGCCTGCGGGGATAAAGCCAGGGAGCTGGTCAGAGC-3'
Protein context (NP_001108225.1, residues 424-444): EAVVNILSSS[Ser434Thr]PQRKKVHCLN

ClinVar aggregate classification (germline): Uncertain significance (1 of 4 stars; one submission).

Conditions:
Hereditary hemorrhagic telangiectasia (HHT). Also called: ORW DISEASE; Osler Weber Rendu syndrome; OSLER-RENDU-WEBER DISEASE; Osler hemorrhagic telangiectasia syndrome. Identifiers: Orphanet 774, MedGen C0039445, MONDO:0019180. Disease mechanism: loss of function.

Submission:

Labcorp Genetics (formerly Invitae), Labcorp
Classification: Uncertain significance for Hereditary hemorrhagic telangiectasia. Last evaluated: 2023-02-02. Review status: criteria provided, single submitter. Criteria: Invitae Variant Classification Sherloc (09022015). Collection method: clinical testing. Allele origin: germline.
Comment: Advanced modeling of protein sequence and biophysical properties (such as structural, functional, and spatial information, amino acid conservation, physicochemical variation, residue mobility, and thermodynamic stability) performed at Invitae indicates that this missense variant is not expected to disrupt ENG protein function. This variant has not been reported in the literature in individuals affected with ENG-related conditions. This variant is not present in population databases (gnomAD no frequency). This sequence change replaces serine, which is neutral and polar, with threonine, which is neutral and polar, at codon 434 of the ENG protein (p.Ser434Thr). In summary, the available evidence is currently insufficient to determine the role of this variant in disease. Therefore, it has been classified as a Variant of Uncertain Significance.